The following is an entry in ClinVar:

NM_000094.4(COL7A1):c.7245G>A (p.Met2415Ile)

Gene: COL7A1 (collagen type VII alpha 1 chain; minus strand). Cytogenetic location: 3p21.31.
Variant type: single nucleotide variant.
Coding change: c.7245G>A on transcript NM_000094.4 (MANE Select); coding-DNA position 7245, G replaced by A.
Protein change: p.Met2415Ile; replaces methionine 2415 with isoleucine.
Molecular consequence: missense variant.
Genome position (GRCh38, 1-based): chr3:48,570,888, C>T on the plus strand (G>A on the coding strand, the complement: COL7A1 is on the minus strand). VCF-style: chr3-48570888-C-T. GRCh37 (hg19) VCF-style: chr3-48608321-C-T.
Other names: short protein forms M2415I.
Identifiers: ClinVar variation 4817399 (VCV004817399.1).

ClinVar aggregate classification (germline): Likely pathogenic (1 of 4 stars; one submission).

Conditions:
Epidermolysis bullosa dystrophica. Also called: Dystrophic epidermolysis bullosa, Hallopeau-Siemens type (formerly); Dystrophic epidermolysis bullosa. Identifiers: Orphanet 303, MedGen C0079294, MONDO:0006543.

Submission:

Natera, Inc.
Classification: Likely pathogenic for Dystrophic epidermolysis bullosa. Last evaluated: 2024-10-17. Review status: criteria provided, single submitter. Criteria: Natera Variant Classification Schema (03/2026). Collection method: clinical testing. Allele origin: germline.
Comment: The c.7245G>A variant in COL7A1 is a missense variant predicted to cause substitution of methionine to isoleucine at amino acid 2415. This variant is rare in the general population with a frequency below the threshold expected for the associated phenotype(s). This variant has been observed in one or more individuals affected with the associated recessive disease, as either homozygous or compound heterozygous with a second variant (PMID: 37556444, 16470588). Functional studies show that this variant may disrupt protein function (PMID: 16470588). Multiple computational prediction algorithms suggest this variant is unlikely to affect gene or protein function. Given the available evidence, this variant is classified as Likely Pathogenic.

Literature cited by the submitters: PubMed 37556444; PubMed 16470588.